The following is an entry in ClinVar:

NM_017780.4(CHD7):c.3994C>G (p.Pro1332Ala)

Gene: CHD7 (chromodomain helicase DNA binding protein 7; plus strand). Cytogenetic location: 8q12.2.
Variant type: single nucleotide variant.
Coding change: c.3994C>G on transcript NM_017780.4 (MANE Select); coding-DNA position 3994, C replaced by G.
Protein change: p.Pro1332Ala; replaces proline 1332 with alanine.
Molecular consequence: missense variant. On other transcripts: intron variant (1).
Genome position (GRCh38, 1-based): chr8:60,836,821, C>G. VCF-style: chr8-60836821-C-G. GRCh37 (hg19) VCF-style: chr8-61749380-C-G.
Other names: c.1717-25408C>G (NM_001316690.1); short protein forms P1332A.
Identifiers: ClinVar variation 4994878 (VCV004994878.1).
Genomic context (GRCh38, chr8:60,836,821, plus strand): 5'-AGCAAGTATGTTGTCGCTATGCGTCAGGCCTCCTTGTTCACACTGATGTTTTCTAGGTAC[C>G]CATATGAAAGGATCGACGGCCGAGTAAGAGGCAACCTCCGCCAGGCAGCTATCGACAGAT-3'
Protein context (NP_060250.2, residues 1322-1342): LEDYLIQRRY[Pro1332Ala]YERIDGRVRG

ClinVar aggregate classification (germline): Uncertain significance (1 of 4 stars; one submission).

Conditions:
CHD7-related disorder. Also called: CHD7-related condition.

Submission:

PreventionGenetics, part of Exact Sciences
Classification: Uncertain significance for CHD7-related condition. Last evaluated: 2025-09-08. Review status: criteria provided, single submitter. Criteria: ACMG Guidelines, 2015. Collection method: clinical testing. Allele origin: germline.
Comment: The CHD7 c.3994C>G variant is predicted to result in the amino acid substitution p.Pro1332Ala. To our knowledge, this variant has not been reported in the literature or in a large population database (gnomAD), indicating this variant is rare. At this time, the clinical significance of this variant is uncertain due to the absence of conclusive functional and genetic evidence.